The following is an entry in ClinVar:

NM_004360.5(CDH1):c.1303A>G (p.Ile435Val)

Gene: CDH1 (cadherin 1; plus strand). Cytogenetic location: 16q22.1.
Variant type: single nucleotide variant.
Coding change: c.1303A>G on transcript NM_004360.5 (MANE Select); coding-DNA position 1303, A replaced by G.
Protein change: p.Ile435Val; replaces isoleucine 435 with valine.
Molecular consequence: missense variant. On other transcripts: 5 prime UTR variant (2), intron variant (1).
Genome position (GRCh38, 1-based): chr16:68,813,478, A>G. VCF-style: chr16-68813478-A-G. GRCh37 (hg19) VCF-style: chr16-68847381-A-G.
Other names: c.-313A>G (NM_001317185.2); c.-517A>G (NM_001317186.2); c.1137+1215A>G (NM_001317184.2); c.1303A>G (LRG_301t1); short protein forms I435V.
Identifiers: ClinVar variation 220738 (VCV000220738.25), dbSNP rs864622644, ClinGen allele CA348421.

ClinVar aggregate classification (germline): Conflicting classifications of pathogenicity. Review status: criteria provided, conflicting classifications (1 of 4 stars). 8 submissions from 8 submitters: Uncertain significance (6); Likely benign (1). 1 of the submissions does not count toward it. Last evaluated 2025-11-06.

Conditions:
CDH1-related disorder. Also called: CDH1-related condition.
Hereditary cancer-predisposing syndrome. Also called: Neoplastic Syndromes, Hereditary; Tumor predisposition; Hereditary Cancer Syndrome; Hereditary neoplastic syndrome. Identifiers: Orphanet 140162, MedGen C0027672, MeSH D009386, MONDO:0015356.
Hereditary diffuse gastric adenocarcinoma (HDGC). Also called: DIFFUSE GASTRIC AND LOBULAR BREAST CANCER SYNDROME. Identifiers: Orphanet 26106, MedGen C1708349, MONDO:0007648, OMIM 137215.
Familial cancer of breast. Also called: hereditary breast carcinoma; BREAST CANCER, FAMILIAL; Hereditary breast cancer. Identifiers: Orphanet 227535, MedGen C0346153, MONDO:0016419, OMIM 114480. Disease mechanism: loss of function.

Allele frequency attached by ClinVar (database versions not stated): gnomAD exomes below 0.00001 and 0.00002.
gnomAD v4.1: 24 of 1,614,228 alleles (0.0015%); highest among the groups gnomAD compares: Non-Finnish European, 0.0019%; no homozygotes.

Submissions (8):

Labcorp Genetics (formerly Invitae), Labcorp
Classification: Uncertain significance for Hereditary diffuse gastric adenocarcinoma. Last evaluated: 2025-11-06. Review status: criteria provided, single submitter. Criteria: Invitae Variant Classification Sherloc (09022015). Collection method: clinical testing. Allele origin: germline.
Comment: This sequence change replaces isoleucine, which is neutral and non-polar, with valine, which is neutral and non-polar, at codon 435 of the CDH1 protein (p.Ile435Val). This variant is present in population databases (no rsID available, gnomAD 0.0009%). This variant has not been reported in the literature in individuals affected with CDH1-related conditions. ClinVar contains an entry for this variant (Variation ID: 220738). An algorithm developed to predict the effect of missense changes on protein structure and function (PolyPhen-2) suggests that this variant is likely to be tolerated. In summary, the available evidence is currently insufficient to determine the role of this variant in disease. Therefore, it has been classified as a Variant of Uncertain Significance.

PreventionGenetics, part of Exact Sciences
Classification: Uncertain significance for CDH1-related condition. Last evaluated: 2025-06-13. Review status: criteria provided, single submitter. Criteria: ACMG Guidelines, 2015. Collection method: clinical testing. Allele origin: germline.
Comment: The CDH1 c.1303A>G variant is predicted to result in the amino acid substitution p.Ile435Val. To our knowledge, this variant has not been reported in the literature. This variant is reported in 0.00088% of alleles in individuals of European (Non-Finnish) descent in gnomAD and is interpreted as uncertain in ClinVar. At this time, the clinical significance of this variant is uncertain due to the absence of conclusive functional and genetic evidence.

Ambry Genetics
Classification: Likely benign for Hereditary cancer-predisposing syndrome. Last evaluated: 2025-05-14. Review status: criteria provided, single submitter. Criteria: Ambry Variant Classification Scheme 2023. Collection method: clinical testing. Allele origin: germline.

GeneDx
Classification: Uncertain significance. Last evaluated: 2024-06-25. Review status: criteria provided, single submitter. Criteria: GeneDx Variant Classification Process June 2021. Collection method: clinical testing. Allele origin: germline. Affected: yes.
Comment: Not observed at significant frequency in large population cohorts (gnomAD); In silico analysis supports that this missense variant does not alter protein structure/function; Has not been previously published as pathogenic or benign to our knowledge; This variant is associated with the following publications: (PMID: 15235021, 22850631)

Color Diagnostics, LLC DBA Color Health
Classification: Uncertain significance for Hereditary cancer-predisposing syndrome. Last evaluated: 2023-12-04. Review status: criteria provided, single submitter. Criteria: ACMG Guidelines, 2015. Collection method: clinical testing. Allele origin: germline.
Comment: This missense variant replaces isoleucine with valine at codon 435 of the CDH1 protein. To our knowledge, functional studies have not been reported for this variant. This variant has not been reported in individuals affected with CDH1-related disorders in the literature. This variant has been identified in 1/251480 chromosomes in the general population by the Genome Aggregation Database (gnomAD). The available evidence is insufficient to determine the role of this variant in disease conclusively. Therefore, this variant is classified as a Variant of Uncertain Significance.

Baylor Genetics
Classification: Uncertain significance for Familial cancer of breast. Last evaluated: 2023-08-17. Review status: criteria provided, single submitter. Criteria: ACMG Guidelines, 2015. Collection method: clinical testing. Allele origin: unknown.

Myriad Genetics, Inc.
Classification: Uncertain significance for Hereditary diffuse gastric adenocarcinoma. Last evaluated: 2023-03-03. Review status: criteria provided, single submitter. Criteria: Myriad Autosomal Dominant, Autosomal Recessive and X-Linked Classification Criteria (2023). Collection method: clinical testing. Allele origin: unknown.
Comment: This variant is classified as a variant of uncertain significance as there is insufficient evidence to determine its impact on protein function and/or cancer risk.

Counsyl
Classification: Uncertain significance for Hereditary diffuse gastric adenocarcinoma. Last evaluated: 2018-01-30. Review status: no assertion criteria provided. Collection method: clinical testing. Allele origin: unknown. Not counted in ClinVar's aggregate classification.